The following is an entry in ClinVar:

ClinVar aggregate classification (germline): Likely benign. Review status: criteria provided, multiple submitters, no conflicts (2 of 4 stars). 2 submissions from 2 submitters: Likely benign (2). Last evaluated 2017-04-27.

Conditions:
NAFLD1 (FLD1). Also called: FATTY LIVER DISEASE, SUSCEPTIBILITY TO, 1; Fatty liver disease, nonalcoholic 1. Identifiers: MedGen C2750440, MONDO:0021105, OMIM 613282.

Allele frequency attached by ClinVar (database versions not stated): gnomAD exomes 0.00271 and 0.00761; ExAC 0.00955; gnomAD 0.02965 and 0.03206; 1000 Genomes Project 30x 0.03357; TOPMed 0.03360; 1000 Genomes Project 0.03395; ESP Exome Variant Server 0.03498.
gnomAD v4.1: 8,678 of 1,614,068 alleles (0.54%); highest among the groups gnomAD compares: African/African-American, 10%; 400 homozygotes.

Submissions (2):

Illumina Laboratory Services, Illumina
Classification: Likely benign for NAFLD1. Last evaluated: 2017-04-27. Review status: criteria provided, single submitter. Criteria: ICSL Variant Classification Criteria 13 December 2019. Collection method: clinical testing. Allele origin: germline.
Comment: This variant was observed as part of a predisposition screen in an ostensibly healthy population. A literature search was performed for the gene, cDNA change, and amino acid change (where applicable). Publications were found based on this search. The evidence from the literature, in combination with allele frequency data from public databases where available, was sufficient to determine this variant is unlikely to cause disease. Therefore, this variant is classified as likely benign.

Breakthrough Genomics
Classification: Likely benign. Review status: criteria provided, single submitter. Criteria: ACMG Guidelines, 2015. Collection method: not provided. Allele origin: germline. Inheritance: Unknown mechanism. Affected: yes.

Literature cited by the submitters: PubMed 25290313 (cited by Illumina Laboratory Services, Illumina); PubMed 18820647 (cited by Illumina Laboratory Services, Illumina).

NM_025225.3(PNPLA3):c.1358G>T (p.Ser453Ile)

Gene: PNPLA3 (patatin like domain 3, 1-acylglycerol-3-phosphate O-acyltransferase; plus strand). Cytogenetic location: 22q13.31.
Variant type: single nucleotide variant.
Coding change: c.1358G>T on transcript NM_025225.3 (MANE Select); coding-DNA position 1358, G replaced by T.
Protein change: p.Ser453Ile; replaces serine 453 with isoleucine.
Molecular consequence: missense variant.
Genome position (GRCh38, 1-based): chr22:43,946,294, G>T. VCF-style: chr22-43946294-G-T. GRCh37 (hg19) VCF-style: chr22-44342174-G-T.
Other names: short protein forms S453I.
Identifiers: ClinVar variation 341945 (VCV000341945.6), dbSNP rs6006460, ClinGen allele CA10278264.
Genomic context (GRCh38, chr22:43,946,294, plus strand): 5'-CCAAGGGCTGTCCAGCAGAGACCAAAGCAGAGGCCACCCCGCGGTCCATCCTCAGGTCCA[G>T]CCTGAACTTCTTCTTGGGCAATAAAGTACCTGCTGGTGCTGAGGGGCTCTCCACCTTTCC-3'
Protein context (NP_079501.2, residues 443-463): EATPRSILRS[Ser453Ile]LNFFLGNKVP